The following is an entry in ClinVar:

NM_001103.4(ACTN2):c.537-16C>T

Gene: ACTN2 (actinin alpha 2; plus strand). Cytogenetic location: 1q43.
Variant type: single nucleotide variant.
Coding change: c.537-16C>T on transcript NM_001103.4 (MANE Select); 16 bases into the intron before coding-DNA position 537, C replaced by T.
Molecular consequence: intron variant.
Genome position (GRCh38, 1-based): chr1:236,727,662, C>T. VCF-style: chr1-236727662-C-T. GRCh37 (hg19) VCF-style: chr1-236890962-C-T.
Other names: c.-285-16C>T (NM_001278344.2); c.537-16C>T (NM_001278343.2).
Identifiers: ClinVar variation 384454 (VCV000384454.6), dbSNP rs1057521958, ClinGen allele CA16603601.

ClinVar aggregate classification (germline): Likely benign. Review status: criteria provided, multiple submitters, no conflicts (2 of 4 stars). 2 submissions from 2 submitters: Likely benign (2). Last evaluated 2025-12-03.

Conditions:
Dilated cardiomyopathy 1AA (CMD1AA). Also called: Cardiomyopathy, dilated, 1AA, with or without LVNC; CARDIOMYOPATHY, DILATED, 1AA, WITH OR WITHOUT LEFT VENTRICULAR NONCOMPACTION; CARDIOMYOPATHY, FAMILIAL HYPERTROPHIC, 23, WITH OR WITHOUT LEFT VENTRICULAR NONCOMPACTION. Identifiers: Orphanet 154, MedGen C2677338, MONDO:0012808, OMIM 612158.
Primary familial hypertrophic cardiomyopathy (HCM). Identifiers: Orphanet 99739, MedGen C0949658, MeSH D024741, MONDO:0024573. Inheritance: Various modes of inheritance.

Allele frequency attached by ClinVar (database versions not stated): gnomAD exomes below 0.00001; TOPMed below 0.00001; gnomAD 0.00001.
gnomAD v4.1: 2 of 1,613,958 alleles (0.00012%); highest among the groups gnomAD compares: African/African-American, 0.0027%; no homozygotes.

Submissions (2):

Labcorp Genetics (formerly Invitae), Labcorp
Classification: Likely benign for Primary familial hypertrophic cardiomyopathy; Dilated cardiomyopathy 1AA. Last evaluated: 2025-12-03. Review status: criteria provided, single submitter. Criteria: Invitae Variant Classification Sherloc (09022015). Collection method: clinical testing. Allele origin: germline.

GeneDx
Classification: Likely benign. Last evaluated: 2016-03-07. Review status: criteria provided, single submitter. Criteria: GeneDx Variant Classification (06012015). Collection method: clinical testing. Allele origin: germline. Affected: yes.
Comment: This variant is considered likely benign or benign based on one or more of the following criteria: it is a conservative change, it occurs at a poorly conserved position in the protein, it is predicted to be benign by multiple in silico algorithms, and/or has population frequency not consistent with disease.